The following is an entry in ClinVar:

ClinVar aggregate classification (germline): Uncertain significance (1 of 4 stars; one submission).

Conditions:
Brugada syndrome 8 (BRGDA8). Identifiers: Orphanet 130, MedGen C2751083, MONDO:0013148, OMIM 613123.

Submission:

Labcorp Genetics (formerly Invitae), Labcorp
Classification: Uncertain significance for Brugada syndrome 8. Last evaluated: 2025-03-04. Review status: criteria provided, single submitter. Criteria: Invitae Variant Classification Sherloc (09022015). Collection method: clinical testing. Allele origin: germline.
Comment: This sequence change replaces valine, which is neutral and non-polar, with methionine, which is neutral and non-polar, at codon 359 of the HCN4 protein (p.Val359Met). This variant is not present in population databases (gnomAD no frequency). This variant has not been reported in the literature in individuals affected with HCN4-related conditions. Invitae Evidence Modeling of protein sequence and biophysical properties (such as structural, functional, and spatial information, amino acid conservation, physicochemical variation, residue mobility, and thermodynamic stability) indicates that this missense variant is expected to disrupt HCN4 protein function with a positive predictive value of 95%. In summary, the available evidence is currently insufficient to determine the role of this variant in disease. Therefore, it has been classified as a Variant of Uncertain Significance.

NM_005477.3(HCN4):c.1075G>A (p.Val359Met)

Genes: HCN4 (hyperpolarization activated cyclic nucleotide gated potassium channel 4; minus strand), LOC105370890 (uncharacterized LOC105370890; plus strand), LOC126862173 (CDK7 strongly-dependent group 2 enhancer GRCh37_chr15:73635762-73636961; plus strand). Cytogenetic location: 15q24.1.
Variant type: single nucleotide variant.
Coding change: c.1075G>A on transcript NM_005477.3 (MANE Select); coding-DNA position 1075, G replaced by A.
Protein change: p.Val359Met; replaces valine 359 with methionine.
Molecular consequence: missense variant. On other transcripts: non-coding transcript variant (1).
Genome position (GRCh38, 1-based): chr15:73,343,519, C>T on the plus strand (G>A on the coding strand, the complement: HCN4 is on the minus strand). VCF-style: chr15-73343519-C-T. GRCh37 (hg19) VCF-style: chr15-73635860-C-T.
Other names: short protein forms V359M.
Identifiers: ClinVar variation 4799148 (VCV004799148.1).
Genomic context (GRCh38, chr15:73,343,519, plus strand): 5'-AGCGGACAATGCGCAGGGCCCGGGCAGTCTTGTAGACCTCCGAGTCGATGCGTGTCTCCA[C>T]AATGAGGAAGATGTAGTCCACGGGGATGGAGGAAATGAAATCTACCATGAACCAGCTTTT-3'
Protein context (NP_005468.1, residues 349-369): SIPVDYIFLI[Val359Met]ETRIDSEVYK